The following is an entry in ClinVar:

NM_000548.5(TSC2):c.775-16G>T

Gene: TSC2 (TSC complex subunit 2; plus strand). Cytogenetic location: 16p13.3.
Variant type: single nucleotide variant.
Coding change: c.775-16G>T on transcript NM_000548.5 (MANE Select); 16 bases into the intron before coding-DNA position 775, G replaced by T.
Molecular consequence: intron variant.
Genome position (GRCh38, 1-based): chr16:2,057,089, G>T. VCF-style: chr16-2057089-G-T. GRCh37 (hg19) VCF-style: chr16-2107090-G-T.
Other names: c.-657-16G>T (NM_001406693.1, NM_001406689.1, NM_001406690.1 and 4 more transcripts); c.865-16G>T (NM_001406667.1, NM_001406668.1); c.175-16G>T (NM_001406680.1, NM_001406683.1, NM_001406687.1 and 6 more transcripts); c.-833-16G>T (NM_001406698.1); c.775-16G>T (NM_001114382.3, NM_001406663.1, NM_001406664.1 and 6 more transcripts); c.763-16G>T (NM_001406673.1, NM_001406671.1); c.313-16G>T (NM_001406681.1); c.-538-16G>T (NM_001406694.1, NM_001406695.1); and 4 more.
Identifiers: ClinVar variation 3687408 (VCV003687408.3).

ClinVar aggregate classification (germline): Likely benign. Review status: criteria provided, multiple submitters, no conflicts (2 of 4 stars). 2 submissions from 2 submitters: Likely benign (2). Last evaluated 2025-05-09.

Conditions:
Tuberous sclerosis 2 (TSC2). Identifiers: Orphanet 805, MedGen C1860707, MONDO:0013199, OMIM 613254.

Submissions (2):

Myriad Genetics, Inc.
Classification: Likely benign for Tuberous sclerosis 2. Last evaluated: 2025-05-09. Review status: criteria provided, single submitter. Criteria: Myriad Autosomal Dominant, Autosomal Recessive and X-Linked Classification Criteria (2023). Collection method: clinical testing. Allele origin: unknown.
Comment: This variant is considered likely benign. This variant is intronic and is not expected to impact mRNA splicing.

Labcorp Genetics (formerly Invitae), Labcorp
Classification: Likely benign for Tuberous sclerosis 2. Last evaluated: 2024-03-21. Review status: criteria provided, single submitter. Criteria: Invitae Variant Classification Sherloc (09022015). Collection method: clinical testing. Allele origin: germline.